The following is an entry in ClinVar:

NM_007194.4(CHEK2):c.184T>C (p.Ser62Pro)

Gene: CHEK2 (checkpoint kinase 2; minus strand). Cytogenetic location: 22q12.1.
Variant type: single nucleotide variant.
Coding change: c.184T>C on transcript NM_007194.4 (MANE Select); coding-DNA position 184, T replaced by C.
Protein change: p.Ser62Pro; replaces serine 62 with proline.
Molecular consequence: missense variant.
Genome position (GRCh38, 1-based): chr22:28,734,538, A>G on the plus strand (T>C on the coding strand, the complement: CHEK2 is on the minus strand). VCF-style: chr22-28734538-A-G. GRCh37 (hg19) VCF-style: chr22-29130526-A-G.
Other names: c.184T>C, p.Ser62Pro (NM_001005735.3, NM_001349956.3, NM_145862.3); c.-594T>C (NM_001257387.3); short protein forms S62P.
Identifiers: ClinVar variation 1692943 (VCV001692943.6), dbSNP rs2146148379, ClinGen allele CA411090862.
Genomic context (GRCh38, chr22:28,734,538, plus strand): 5'-CCTCAGGTTCTTGGTCCTCAGGAATAGAATAGAGTTCCTGAGTGGACACTGTCTCTAAGG[A>G]GCTCAGTGTCCCAGAGCTGGAGTGAGAGGACTGGCTGGAGTTTGGCATCGTGCTGGTAGA-3'
Protein context (NP_009125.1, residues 52-72): SSHSSSGTLS[Ser62Pro]LETVSTQELY

ClinVar aggregate classification (germline): Uncertain significance. Review status: criteria provided, multiple submitters, no conflicts (2 of 4 stars). 4 submissions from 4 submitters: Uncertain significance (4). Last evaluated 2025-12-07.

Conditions:
Familial cancer of breast. Also called: hereditary breast carcinoma; Hereditary breast cancer; BREAST CANCER, FAMILIAL. Identifiers: Orphanet 227535, MedGen C0346153, MONDO:0016419, OMIM 114480. Disease mechanism: loss of function.
Hereditary cancer-predisposing syndrome. Also called: Hereditary neoplastic syndrome; Tumor predisposition; Neoplastic Syndromes, Hereditary; Hereditary Cancer Syndrome. Identifiers: Orphanet 140162, MedGen C0027672, MeSH D009386, MONDO:0015356.

Submissions (4):

Ambry Genetics
Classification: Uncertain significance for Hereditary cancer-predisposing syndrome. Last evaluated: 2025-12-07. Review status: criteria provided, single submitter. Criteria: Ambry Variant Classification Scheme 2023. Collection method: clinical testing. Allele origin: germline.
Comment: The p.S62P variant (also known as c.184T>C), located in coding exon 1 of the CHEK2 gene, results from a T to C substitution at nucleotide position 184. The serine at codon 62 is replaced by proline, an amino acid with similar properties. This amino acid position is highly conserved in available vertebrate species. In addition, this alteration is predicted to be deleterious by in silico analysis. Since supporting evidence is limited at this time, the clinical significance of this alteration remains unclear.

Labcorp Genetics (formerly Invitae), Labcorp
Classification: Uncertain significance for Familial cancer of breast. Last evaluated: 2025-02-17. Review status: criteria provided, single submitter. Criteria: Invitae Variant Classification Sherloc (09022015). Collection method: clinical testing. Allele origin: germline.
Comment: This sequence change replaces serine, which is neutral and polar, with proline, which is neutral and non-polar, at codon 62 of the CHEK2 protein (p.Ser62Pro). This variant is not present in population databases (gnomAD no frequency). This variant has not been reported in the literature in individuals affected with CHEK2-related conditions. ClinVar contains an entry for this variant (Variation ID: 1692943). An algorithm developed to predict the effect of missense changes on protein structure and function (PolyPhen-2) suggests that this variant is likely to be disruptive. In summary, the available evidence is currently insufficient to determine the role of this variant in disease. Therefore, it has been classified as a Variant of Uncertain Significance.

Baylor Genetics
Classification: Uncertain significance for Familial cancer of breast. Last evaluated: 2023-09-13. Review status: criteria provided, single submitter. Criteria: ACMG Guidelines, 2015. Collection method: clinical testing. Allele origin: unknown.

Sema4
Classification: Uncertain significance for Hereditary cancer-predisposing syndrome. Last evaluated: 2022-03-07. Review status: criteria provided, single submitter. Criteria: Sema4 Curation Guidelines. Collection method: curation. Allele origin: germline.
Comment: The CHEK2 c.184T>C (p.S62P) variant has not been reported in the literature to our knowledge. This variant was not reported in the population database Genome Aggregation Database (PMID: 32461654). This variant has not been reported in ClinVar. Functional studies have not been performed, and in silico predictions of the variant's effect on protein function are inconclusive. The evidence is insufficient to meet ACMG/AMP criteria for classifying the variant as benign or pathogenic. Thus, the clinical significance of this variant is currently uncertain.